The following is an entry in ClinVar:

ClinVar aggregate classification (germline): Pathogenic (1 of 4 stars; one submission).

Conditions:
PCNT-related disorder. Also called: PCNT-related condition.

Submission:

PreventionGenetics, part of Exact Sciences
Classification: Pathogenic for PCNT-related condition. Last evaluated: 2025-10-09. Review status: criteria provided, single submitter. Criteria: ACMG Guidelines, 2015. Collection method: clinical testing. Allele origin: germline.
Comment: The PCNT c.3004_3005delTG variant is predicted to result in a frameshift and premature protein termination (p.Trp1002Glufs*55). To our knowledge, this variant has not been reported in the literature. This variant is reported in 0.0065% of alleles in individuals of European (Non-Finnish) descent in gnomAD. Frameshift variants in PCNT are expected to be pathogenic. This variant is interpreted as pathogenic.

NM_006031.6(PCNT):c.3004_3005del (p.Trp1002fs)

Gene: PCNT (pericentrin; plus strand). Cytogenetic location: 21q22.3.
Variant type: Microsatellite.
Coding change: c.3004_3005del on transcript NM_006031.6 (MANE Select); coding-DNA positions 3004 to 3005, 2 bases deleted (TG; older notation c.3004_3005delTG).
Protein change: p.Trp1002fs; shifts the reading frame from tryptophan 1002.
Molecular consequence: frameshift variant.
Genome position (GRCh38, 1-based): chr21:46,366,978-46,366,979, TG deleted; deleting any 2 consecutive bases within chr21:46,366,976-46,366,979 gives the same sequence; the c. name uses the placement nearest the transcript's 3' end. VCF-style (leftmost placement, unchanged base first): chr21-46366975-CTG-C. GRCh37 (hg19) VCF-style: chr21-47786890-CTG-C.
Other names: c.2650_2651del, p.Trp884fs (NM_001315529.2); short protein forms W884fs, W1002fs.
Identifiers: ClinVar variation 4992608 (VCV004992608.1).
Genomic context (GRCh38, chr21:46,366,975, plus strand): 5'-ACCATCCGTGAGGAGCACAGGCAGGCCCTAGAGCTCTTACGAGCAGACTTTGAGGAACAA[CTG>C]TGGAAAAAGGACTCTCTTCACCAAACGATTTTGACTCAAGAGTTGGAGAAACTGAAGCGG-3'